The following is an entry in ClinVar:

ClinVar aggregate classification (germline): Uncertain significance. Review status: criteria provided, multiple submitters, no conflicts (2 of 4 stars). 2 submissions from 2 submitters: Uncertain significance (2). Last evaluated 2022-07-24.

Conditions:
LAMB2-related infantile-onset nephrotic syndrome. Also called: NEPHROTIC SYNDROME, TYPE 5, WITHOUT OCULAR ABNORMALITIES; NEPHROTIC SYNDROME, TYPE 5, WITH OCULAR ABNORMALITIES; Nephrotic Syndrome, type 5. Identifiers: Orphanet 306507, MedGen C3280113, MONDO:0013621, OMIM 614199.
Pierson syndrome. Also called: MICROCORIA-CONGENITAL NEPHROTIC SYNDROME. Identifiers: Orphanet 2670, MedGen C1836876, MONDO:0012184, OMIM 609049.

Allele frequency attached by ClinVar (database versions not stated): gnomAD 0.00001; TOPMed 0.00006.
gnomAD v4.1: 12 of 1,613,406 alleles (0.00074%); highest among the groups gnomAD compares: Admixed American, 0.0033%; no homozygotes.

Submissions (2):

Labcorp Genetics (formerly Invitae), Labcorp
Classification: Uncertain significance for LAMB2-related infantile-onset nephrotic syndrome; Pierson syndrome. Last evaluated: 2022-07-24. Review status: criteria provided, single submitter. Criteria: Invitae Variant Classification Sherloc (09022015). Collection method: clinical testing. Allele origin: germline.
Comment: This sequence change replaces isoleucine, which is neutral and non-polar, with threonine, which is neutral and polar, at codon 909 of the LAMB2 protein (p.Ile909Thr). This variant is present in population databases (rs201756319, gnomAD 0.006%). This variant has not been reported in the literature in individuals affected with LAMB2-related conditions. ClinVar contains an entry for this variant (Variation ID: 539737). Algorithms developed to predict the effect of missense changes on protein structure and function (SIFT, PolyPhen-2, Align-GVGD) all suggest that this variant is likely to be tolerated. In summary, the available evidence is currently insufficient to determine the role of this variant in disease. Therefore, it has been classified as a Variant of Uncertain Significance.

Revvity Omics, Revvity
Classification: Uncertain significance. Last evaluated: 2020-04-14. Review status: criteria provided, single submitter. Criteria: ACMG Guidelines, 2015. Collection method: clinical testing. Allele origin: germline.

NM_002292.4(LAMB2):c.2726T>C (p.Ile909Thr)

Gene: LAMB2 (laminin subunit beta 2; minus strand). Cytogenetic location: 3p21.31.
Variant type: single nucleotide variant.
Coding change: c.2726T>C on transcript NM_002292.4 (MANE Select); coding-DNA position 2726, T replaced by C.
Protein change: p.Ile909Thr; replaces isoleucine 909 with threonine.
Molecular consequence: missense variant.
Genome position (GRCh38, 1-based): chr3:49,125,164, A>G on the plus strand (T>C on the coding strand, the complement: LAMB2 is on the minus strand). VCF-style: chr3-49125164-A-G. GRCh37 (hg19) VCF-style: chr3-49162597-A-G.
Other names: short protein forms I909T.
Identifiers: ClinVar variation 539737 (VCV000539737.5), dbSNP rs201756319, ClinGen allele CA2394222.